The following is an entry in ClinVar:

NM_177972.3(TUB):c.886-8T>G

Genes: RIC3 (RIC3 acetylcholine receptor chaperone; minus strand), TUB (TUB bipartite transcription factor; plus strand). Cytogenetic location: 11p15.4.
Variant type: single nucleotide variant.
Coding change: c.886-8T>G on transcript NM_177972.3 (MANE Select); 8 bases into the intron before coding-DNA position 886, T replaced by G.
Molecular consequence: intron variant.
Genome position (GRCh38, 1-based): chr11:8,097,706, T>G. VCF-style: chr11-8097706-T-G. GRCh37 (hg19) VCF-style: chr11-8119253-T-G.
Other names: c.904-8T>G (NM_001440538.1, NM_001440539.1); c.736-8T>G (NM_001440540.1, NM_001440542.1); c.1051-8T>G (NM_003320.5); c.718-8T>G (NM_001440541.1).
Identifiers: ClinVar variation 4999663 (VCV004999663.1).

ClinVar aggregate classification (germline): Uncertain significance (1 of 4 stars; one submission).

Conditions:
TUB-related disorder. Also called: TUB-related condition.

Submission:

PreventionGenetics, part of Exact Sciences
Classification: Uncertain significance for TUB-related condition. Last evaluated: 2024-12-13. Review status: criteria provided, single submitter. Criteria: ACMG Guidelines, 2015. Collection method: clinical testing. Allele origin: germline.
Comment: The TUB c.1051-8T>G variant is predicted to interfere with splicing. To our knowledge, this variant has not been reported in the literature or in a large population database (gnomAD), indicating this variant is rare. At this time, the clinical significance of this variant is uncertain due to the absence of conclusive functional and genetic evidence.